The following is an entry in ClinVar:

ClinVar aggregate classification (germline): Likely benign. Review status: criteria provided, multiple submitters, no conflicts (2 of 4 stars). 3 submissions from 3 submitters: Likely benign (2). 1 of the submissions does not count toward it. Last evaluated 2025-01-03.

Conditions:
PDE6B-related disorder. Also called: PDE6B-related disease; PDE6B-related condition; PDE6B-related disorders.

Allele frequency attached by ClinVar (database versions not stated): gnomAD exomes 0.00002 and 0.00005; ExAC 0.00008; ESP Exome Variant Server 0.00015; gnomAD 0.00015 and 0.00016; 1000 Genomes Project 30x 0.00016; TOPMed 0.00018; 1000 Genomes Project 0.00020.
gnomAD v4.1: 55 of 1,613,942 alleles (0.0034%); highest among the groups gnomAD compares: African/African-American, 0.041%; no homozygotes.

Submissions (3):

Labcorp Genetics (formerly Invitae), Labcorp
Classification: Likely benign. Last evaluated: 2025-01-03. Review status: criteria provided, single submitter. Criteria: Invitae Variant Classification Sherloc (09022015). Collection method: clinical testing. Allele origin: germline.

Blueprint Genetics
Classification: Likely benign. Last evaluated: 2022-11-09. Review status: criteria provided, single submitter. Criteria: ACMG Guidelines, 2015. Collection method: clinical testing. Allele origin: germline.

PreventionGenetics, part of Exact Sciences
Classification: Likely benign for PDE6B-related condition. Last evaluated: 2021-09-16. Review status: no assertion criteria provided. Collection method: clinical testing. Allele origin: germline. Not counted in ClinVar's aggregate classification.
Comment: This variant is classified as likely benign based on ACMG/AMP sequence variant interpretation guidelines (Richards et al. 2015 PMID: 25741868, with internal and published modifications).

NM_000283.4(PDE6B):c.48C>T (p.Pro16=)

Gene: PDE6B (phosphodiesterase 6B; plus strand). Cytogenetic location: 4p16.3.
Variant type: single nucleotide variant.
Coding change: c.48C>T on transcript NM_000283.4 (MANE Select); coding-DNA position 48, C replaced by T.
Protein change: p.Pro16=; no amino-acid change (proline 16 retained).
Molecular consequence: synonymous variant.
Genome position (GRCh38, 1-based): chr4:625,674, C>T. VCF-style: chr4-625674-C-T. GRCh37 (hg19) VCF-style: chr4-619463-C-T.
Other names: c.48C>T, p.Pro16= (NM_001145291.2); c.48C>T (NM_000283.3).
Identifiers: ClinVar variation 1105288 (VCV001105288.12), dbSNP rs147759031, ClinGen allele CA2793829.
Genomic context (GRCh38, chr4:625,674, plus strand): 5'-ACAGGCAGCCACCATGAGCCTCAGTGAGGAGCAGGCCCGGAGCTTTCTGGACCAGAACCC[C>T]GATTTTGCCCGCCAGTACTTTGGGAAGAAACTGAGCCCTGAGAATGTGGCCGCGGCCTGC-3'
Protein context (NP_000274.3, residues 6-26): EQARSFLDQN[Pro16=]DFARQYFGKK